The following is an entry in ClinVar:

ClinVar aggregate classification (germline): Uncertain significance. Review status: criteria provided, multiple submitters, no conflicts (2 of 4 stars). 2 submissions from 2 submitters: Uncertain significance (2). Last evaluated 2025-10-13.

Conditions:
Pseudohypoaldosteronism type 2C (PHA2C). Also called: Pseudohypoaldosteronism Type IIC. Identifiers: Orphanet 757, Orphanet 88940, MedGen C1840391, MONDO:0013778, OMIM 614492.
Neuropathy, hereditary sensory and autonomic, type 2A (HSAN2A). Also called: ACROOSTEOLYSIS, GIACCAI TYPE; ACROOSTEOLYSIS, NEUROGENIC; MORVAN DISEASE; NEUROPATHY, CONGENITAL SENSORY; NEUROPATHY, HEREDITARY SENSORY RADICULAR, AUTOSOMAL RECESSIVE; NEUROPATHY, HEREDITARY SENSORY, TYPE IIA. Identifiers: Orphanet 970, MedGen C2752089, MONDO:0024309, OMIM 201300.
Inborn genetic diseases. Identifiers: MedGen C0950123, MeSH D030342.

Allele frequency attached by ClinVar (database versions not stated): gnomAD exomes below 0.00001; gnomAD 0.00001; TOPMed 0.00003.
gnomAD v4.1: 4 of 1,614,006 alleles (0.00025%); highest among the groups gnomAD compares: East Asian, 0.0022%; no homozygotes.

Submissions (2):

Labcorp Genetics (formerly Invitae), Labcorp
Classification: Uncertain significance for Neuropathy, hereditary sensory and autonomic, type 2A; Pseudohypoaldosteronism type 2C. Last evaluated: 2025-10-13. Review status: criteria provided, single submitter. Criteria: Invitae Variant Classification Sherloc (09022015). Collection method: clinical testing. Allele origin: germline.
Comment: This sequence change replaces valine, which is neutral and non-polar, with isoleucine, which is neutral and non-polar, at codon 1598 of the WNK1 protein (p.Val1598Ile). This variant is not present in population databases (gnomAD no frequency). This variant has not been reported in the literature in individuals affected with WNK1-related conditions. ClinVar contains an entry for this variant (Variation ID: 1018366). Invitae Evidence Modeling of protein sequence and biophysical properties (such as structural, functional, and spatial information, amino acid conservation, physicochemical variation, residue mobility, and thermodynamic stability) indicates that this missense variant is not expected to disrupt WNK1 protein function with a negative predictive value of 95%. In summary, the available evidence is currently insufficient to determine the role of this variant in disease. Therefore, it has been classified as a Variant of Uncertain Significance.

Ambry Genetics
Classification: Uncertain significance for Inborn genetic diseases. Last evaluated: 2019-11-21. Review status: criteria provided, single submitter. Criteria: Ambry Variant Classification Scheme 2023. Collection method: clinical testing. Allele origin: germline.
Comment: The p.V1598I variant (also known as c.4792G>A), located in coding exon 19 of the WNK1 gene, results from a G to A substitution at nucleotide position 4792. The valine at codon 1598 is replaced by isoleucine, an amino acid with highly similar properties. This amino acid position is poorly conserved in available vertebrate species. In addition, this alteration is predicted to be tolerated by in silico analysis. Since supporting evidence is limited at this time, the clinical significance of this alteration remains unclear.

NM_018979.4(WNK1):c.4036G>A (p.Val1346Ile)

Gene: WNK1 (WNK lysine deficient protein kinase 1; plus strand). Cytogenetic location: 12p13.33.
Variant type: single nucleotide variant.
Coding change: c.4036G>A on transcript NM_018979.4 (MANE Select); coding-DNA position 4036, G replaced by A.
Protein change: p.Val1346Ile; replaces valine 1346 with isoleucine.
Molecular consequence: missense variant.
Genome position (GRCh38, 1-based): chr12:884,840, G>A. VCF-style: chr12-884840-G-A. GRCh37 (hg19) VCF-style: chr12-994006-G-A.
Other names: c.4816G>A, p.Val1606Ile (NM_001184985.2); c.3295G>A, p.Val1099Ile (NM_014823.3); c.4792G>A, p.Val1598Ile (NM_213655.5); short protein forms V1099I, V1346I, V1598I, V1606I.
Identifiers: ClinVar variation 1018366 (VCV001018366.10), dbSNP rs925653592, ClinGen allele CA231479016.